The following is an entry in ClinVar:

ClinVar aggregate classification (germline): Uncertain significance (1 of 4 stars; one submission).

Conditions:
Capillary malformation-arteriovenous malformation syndrome. Also called: Capillary malformation-arteriovenous malformation. Identifiers: Orphanet 137667, MedGen C1842180, MONDO:0012016.

Submission:

Labcorp Genetics (formerly Invitae), Labcorp
Classification: Uncertain significance for Capillary malformation-arteriovenous malformation syndrome. Last evaluated: 2024-04-08. Review status: criteria provided, single submitter. Criteria: Invitae Variant Classification Sherloc (09022015). Collection method: clinical testing. Allele origin: germline.
Comment: This sequence change replaces alanine, which is neutral and non-polar, with threonine, which is neutral and polar, at codon 148 of the RASA1 protein (p.Ala148Thr). This variant is not present in population databases (gnomAD no frequency). This variant has not been reported in the literature in individuals affected with RASA1-related conditions. An algorithm developed to predict the effect of missense changes on protein structure and function (PolyPhen-2) suggests that this variant is likely to be disruptive. In summary, the available evidence is currently insufficient to determine the role of this variant in disease. Therefore, it has been classified as a Variant of Uncertain Significance.

NM_002890.3(RASA1):c.442G>A (p.Ala148Thr)

Gene: RASA1 (RAS p21 protein activator 1; plus strand). Cytogenetic location: 5q14.3.
Variant type: single nucleotide variant.
Coding change: c.442G>A on transcript NM_002890.3 (MANE Select); coding-DNA position 442, G replaced by A.
Protein change: p.Ala148Thr; replaces alanine 148 with threonine.
Molecular consequence: missense variant.
Genome position (GRCh38, 1-based): chr5:87,268,893, G>A. VCF-style: chr5-87268893-G-A. GRCh37 (hg19) VCF-style: chr5-86564710-G-A.
Other names: short protein forms A148T.
Identifiers: ClinVar variation 3685754 (VCV003685754.2).